The following is an entry in ClinVar:

NM_176820.4(NLRP9):c.1056G>C (p.Glu352Asp)

Gene: NLRP9 (NLR family pyrin domain containing 9; minus strand). Cytogenetic location: 19q13.42.
Variant type: single nucleotide variant.
Coding change: c.1056G>C on transcript NM_176820.4 (MANE Select); coding-DNA position 1056, G replaced by C.
Protein change: p.Glu352Asp; replaces glutamic acid 352 with aspartic acid.
Molecular consequence: missense variant.
Genome position (GRCh38, 1-based): chr19:55,732,775, C>G on the plus strand (G>C on the coding strand, the complement: NLRP9 is on the minus strand). VCF-style: chr19-55732775-C-G. GRCh37 (hg19) VCF-style: chr19-56244141-C-G.
Other names: short protein forms E352D.
Identifiers: ClinVar variation 132876 (VCV000132876.2), dbSNP rs199475848, ClinGen allele CA231726.

ClinVar aggregate classification (germline): not provided (0 of 4 stars; one submission).

Allele frequency attached by ClinVar (database versions not stated): gnomAD 0.00001 and 0.00002; TOPMed 0.00001.
gnomAD v4.1: 13 of 1,614,188 alleles (0.00081%); highest among the groups gnomAD compares: African/African-American, 0.0053%; no homozygotes.

Submission:

Human Evolutionary Genetics, Institut Pasteur
No classification provided. Review status: no classification provided. Collection method: not provided. Allele origin: germline.
ClinVar note: Converted during submission from untested to not provided.